The following is an entry in ClinVar:

ClinVar aggregate classification (germline): Conflicting classifications of pathogenicity. Review status: criteria provided, conflicting classifications (1 of 4 stars). 5 submissions from 5 submitters: Uncertain significance (1); Likely benign (3). 1 of the submissions does not count toward it. Last evaluated 2025-01-03.

Conditions:
Inborn genetic diseases. Identifiers: MedGen C0950123, MeSH D030342.
TSEN54-related disorder. Also called: TSEN54-related condition.
Pontoneocerebellar hypoplasia. Also called: Pontocerebellar hypoplasia; Non-syndromic pontocerebellar hypoplasia. Identifiers: Orphanet 98523, MedGen C1261175, MONDO:0020135.

Allele frequency attached by ClinVar (database versions not stated): ESP Exome Variant Server 0.00034; ExAC 0.00091; 1000 Genomes Project 0.00140; 1000 Genomes Project 30x 0.00141; gnomAD 0.00181 and 0.00193; TOPMed 0.00196.

Submissions (5):

Ambry Genetics
Classification: Likely benign for Inborn genetic diseases. Last evaluated: 2025-01-03. Review status: criteria provided, single submitter. Criteria: Ambry Variant Classification Scheme 2023. Collection method: clinical testing. Allele origin: germline.

GeneDx
Classification: Likely benign. Last evaluated: 2020-06-16. Review status: criteria provided, single submitter. Criteria: GeneDx Variant Classification Process June 2021. Collection method: clinical testing. Allele origin: germline. Affected: yes.

Illumina Laboratory Services, Illumina
Classification: Likely benign for Pontoneocerebellar hypoplasia. Last evaluated: 2018-01-13. Review status: criteria provided, single submitter. Criteria: ICSL Variant Classification Criteria 13 December 2019. Collection method: clinical testing. Allele origin: germline.
Comment: This variant was observed in the ICSL laboratory as part of a predisposition screen in an ostensibly healthy population. It had not been previously curated by ICSL or reported in the Human Gene Mutation Database (HGMD: prior to June 1st, 2018), and was therefore a candidate for classification through an automated scoring system. Utilizing variant allele frequency, disease prevalence and penetrance estimates, and inheritance mode, an automated score was calculated to assess if this variant is too frequent to cause the disease. Based on the score and internal cut-off values, a variant classified as likely benign is not then subjected to further curation. The score for this variant resulted in a classification of likely benign for this disease.

Genetic Services Laboratory, University of Chicago
Classification: Uncertain significance. Last evaluated: 2014-10-22. Review status: criteria provided, single submitter. Criteria: ACMG Guidelines, 2015. Collection method: clinical testing. Allele origin: germline.

PreventionGenetics, part of Exact Sciences
Classification: Likely benign for TSEN54-related condition. Last evaluated: 2019-12-20. Review status: no assertion criteria provided. Collection method: clinical testing. Allele origin: germline. Not counted in ClinVar's aggregate classification.
Comment: This variant is classified as likely benign based on ACMG/AMP sequence variant interpretation guidelines (Richards et al. 2015 PMID: 25741868, with internal and published modifications).

NM_207346.3(TSEN54):c.1167G>C (p.Gln389His)

Gene: TSEN54 (tRNA splicing endonuclease subunit 54; plus strand). Cytogenetic location: 17q25.1.
Variant type: single nucleotide variant.
Coding change: c.1167G>C on transcript NM_207346.3 (MANE Select); coding-DNA position 1167, G replaced by C.
Protein change: p.Gln389His; replaces glutamine 389 with histidine.
Molecular consequence: missense variant.
Genome position (GRCh38, 1-based): chr17:75,522,248, G>C. VCF-style: chr17-75522248-G-C. GRCh37 (hg19) VCF-style: chr17-73518329-G-C.
Other names: short protein forms Q389H.
Identifiers: ClinVar variation 212450 (VCV000212450.14), dbSNP rs369805010, ClinGen allele CA208985.